The following is an entry in ClinVar:

ClinVar aggregate classification (germline): Uncertain significance (1 of 4 stars; one submission).

Submission:

Women's Health and Genetics/Laboratory Corporation of America, LabCorp
Classification: Uncertain significance. Last evaluated: 2025-07-14. Review status: criteria provided, single submitter. Criteria: LabCorp Variant Classification Summary - May 2015. Collection method: clinical testing. Allele origin: germline.
Comment: Variant summary: CPS1 c.4274+4dupA alters a conserved nucleotide located close to a canonical splice site and therefore could affect mRNA splicing, leading to a significantly altered protein sequence. Several computational tools predict a significant impact on normal splicing: Two predict the variant abolishes a 5' splicing donor site. Two predict the variant weakens a 5' donor site. However, these predictions have yet to be confirmed by functional studies. The variant allele was found at a frequency of 3.6e-05 in 251040 control chromosomes. The available data on variant occurrences in the general population are insufficient to allow any conclusion about variant significance. To our knowledge, no occurrence of c.4274+4dupA in individuals affected with Carbamoylphosphate Synthetase I Deficiency and no experimental evidence demonstrating its impact on protein function have been reported. No submitters have cited clinical-significance assessments for this variant to ClinVar. Based on the evidence outlined above, the variant was classified as uncertain significance.

NM_001875.5(CPS1):c.4274+4dup

Gene: CPS1 (carbamoyl-phosphate synthase 1; plus strand). Cytogenetic location: 2q34.
Variant type: Duplication.
Coding change: c.4274+4dup on transcript NM_001875.5 (MANE Select); 4 bases into the intron after coding-DNA position 4274, one base duplicated (A; older notation c.4274+4dupA).
Molecular consequence: intron variant.
Genome position (GRCh38, 1-based): chr2:210,675,844, A duplicated; the last of 2 consecutive A bases (chr2:210,675,843-210,675,844); duplicating either gives the same sequence. VCF-style (leftmost placement, unchanged base first): chr2-210675842-T-TA. GRCh37 (hg19) VCF-style: chr2-211540566-T-TA.
Other names: c.4274+4dup (NM_001369257.1, NM_001122633.3); c.4307+4dup (NM_001369256.1); c.4274+4dupA (NM_001875.5).
Identifiers: ClinVar variation 4525930 (VCV004525930.1).